The following is an entry in ClinVar:

ClinVar aggregate classification (germline): Likely benign (1 of 4 stars; one submission).

Submission:

CeGaT Center for Human Genetics Tuebingen
Classification: Likely benign. Last evaluated: 2025-05-01. Review status: criteria provided, single submitter. Criteria: CeGaT Center For Human Genetics Tuebingen Variant Classification Criteria Version 2. Collection method: clinical testing. Allele origin: germline. Affected: yes. Observed: 1 variant allele.
Comment: TNS2: BP4, BP7

NM_170754.4(TNS2):c.177G>A (p.Ser59=)

Genes: TNS2 (tensin 2; plus strand), TNS2-AS1 (TNS2 antisense RNA 1; minus strand). Cytogenetic location: 12q13.13.
Variant type: single nucleotide variant.
Coding change: c.177G>A on transcript NM_170754.4 (MANE Select); coding-DNA position 177, G replaced by A.
Protein change: p.Ser59=; no amino-acid change (serine 59 retained).
Molecular consequence: synonymous variant. On other transcripts: 5 prime UTR variant (1).
Genome position (GRCh38, 1-based): chr12:53,051,956, G>A. VCF-style: chr12-53051956-G-A. GRCh37 (hg19) VCF-style: chr12-53445740-G-A.
Other names: c.177G>A, p.Ser59= (NM_001416202.1, NM_001416204.1); c.108G>A, p.Ser36= (NM_001416203.1, NM_015319.3); c.-196G>A (NM_198316.2).
Identifiers: ClinVar variation 3905360 (VCV003905360.10).
Genomic context (GRCh38, chr12:53,051,956, plus strand): 5'-CCGGAAGAAACCTCCAGTCTGTGCAGTATGTAAGGTGACCATCGATGGGACAGGCGTTTC[G>A]TGCAGAGGTGAGGCTCTCTGTCCTGTGACTCTGAGACCCTCCACCCAGTACCACTGTGTT-3'
Protein context (NP_736610.2, residues 49-69): CKVTIDGTGV[Ser59=]CRVCKVATHR